The following is an entry in ClinVar:

ClinVar aggregate classification (germline): Conflicting classifications of pathogenicity. Review status: criteria provided, conflicting classifications (1 of 4 stars). 2 submissions from 2 submitters: Uncertain significance (1); Likely benign (1). Last evaluated 2026-01-10.

Conditions:
Spastic paraplegia. Identifiers: MedGen C0037772, HP:0001258.
Inborn genetic diseases. Identifiers: MedGen C0950123, MeSH D030342.

Allele frequency attached by ClinVar (database versions not stated): TOPMed 0.00015; 1000 Genomes Project 30x 0.00021; 1000 Genomes Project 0.00026.
gnomAD v4.1: 22 of 1,199,872 alleles (0.0018%); highest among the groups gnomAD compares: African/African-American, 0.012%; no homozygotes.

Submissions (2):

Labcorp Genetics (formerly Invitae), Labcorp
Classification: Likely benign for Spastic paraplegia. Last evaluated: 2026-01-10. Review status: criteria provided, single submitter. Criteria: Invitae Variant Classification Sherloc (09022015). Collection method: clinical testing. Allele origin: germline.

Ambry Genetics
Classification: Uncertain significance for Inborn genetic diseases. Last evaluated: 2017-01-19. Review status: criteria provided, single submitter. Criteria: Ambry Variant Classification Scheme 2023. Collection method: clinical testing. Allele origin: germline.
Comment: The p.R846H variant (also known as c.2537G>A), located in coding exon 19 of the L1CAM gene, results from a G to A substitution at nucleotide position 2537. The arginine at codon 846 is replaced by histidine, an amino acid with highly similar properties. This amino acid position is well conserved in available vertebrate species. In addition, this alteration is predicted to be tolerated by in silico analysis. Since supporting evidence is limited at this time, the clinical significance of this alteration remains unclear.

NM_001278116.2(L1CAM):c.2537G>A (p.Arg846His)

Gene: L1CAM (L1 cell adhesion molecule; minus strand). Cytogenetic location: Xq28.
Variant type: single nucleotide variant.
Coding change: c.2537G>A on transcript NM_001278116.2 (MANE Select); coding-DNA position 2537, G replaced by A.
Protein change: p.Arg846His; replaces arginine 846 with histidine.
Molecular consequence: missense variant.
Genome position (GRCh38, 1-based): chrX:153,865,714, C>T on the plus strand (G>A on the coding strand, the complement: L1CAM is on the minus strand). VCF-style: chrX-153865714-C-T. GRCh37 (hg19) VCF-style: chrX-153131169-C-T.
Other names: c.2537G>A, p.Arg846His (NM_000425.5, NM_024003.3); c.2522G>A, p.Arg841His (NM_001143963.2); short protein forms R846H, R841H.
Identifiers: ClinVar variation 588694 (VCV000588694.10), dbSNP rs149737236, ClinGen allele CA10554160.
Genomic context (GRCh38, chrX:153,865,714, plus strand): 5'-GCTTTACCTCAGTGATCACCCTCCTGGGCCCCCATGCCTTCAACCCTTACATTGTATCCG[C>T]GGAGGTGGCCCTTGACCTGGGCCAGGTCCACCGGCCGCCACTTGACCAGCACGGCACTTG-3'
Protein context (NP_001265045.1, residues 836-856): VDLAQVKGHL[Arg846His]GYNVTYWREG